The following is an entry in ClinVar:

NC_000009.12:g.35658075A>T

Gene: RMRP (RNA component of mitochondrial RNA processing endoribonuclease; minus strand). Cytogenetic location: 9p13.3.
Variant type: single nucleotide variant.
Genome position: GRCh38 VCF-style: chr9-35658075-A-T. GRCh37 (hg19) VCF-style: chr9-35658072-A-T.
Identifiers: ClinVar variation 964928 (VCV000964928.4), dbSNP rs3829077, ClinGen allele CA192745799.

ClinVar aggregate classification (germline): Uncertain significance (1 of 4 stars; one submission).

Conditions:
Anauxetic dysplasia. Identifiers: Orphanet 93347, MedGen C1846796, MONDO:0011773.

Submission:

Labcorp Genetics (formerly Invitae), Labcorp
Classification: Uncertain significance for Anauxetic dysplasia. Last evaluated: 2022-07-12. Review status: criteria provided, single submitter. Criteria: Invitae Variant Classification Sherloc (09022015). Collection method: clinical testing. Allele origin: germline.
Comment: This variant occurs in the RMRP gene, which encodes an RNA molecule that does not result in a protein product. This variant is present in population databases (no rsID available, gnomAD 0.03%). This variant has not been reported in the literature in individuals affected with RMRP-related conditions. ClinVar contains an entry for this variant (Variation ID: 964928). Experimental studies and prediction algorithms are not available or were not evaluated, and the functional significance of this variant is currently unknown. In summary, the available evidence is currently insufficient to determine the role of this variant in disease. Therefore, it has been classified as a Variant of Uncertain Significance.